The following is an entry in ClinVar:

ClinVar aggregate classification (germline): Benign. Review status: criteria provided, multiple submitters, no conflicts (2 of 4 stars). 2 submissions from 2 submitters: Benign (2). Last evaluated 2018-01-13.

Conditions:
Obesity. Also called: Obesity disorder. Identifiers: Orphanet 71529, MedGen C0028754, MeSH D009765, MONDO:0011122, HP:0001513.

Allele frequency attached by ClinVar (database versions not stated): gnomAD 0.04402 and 0.04521; TOPMed 0.04750; 1000 Genomes Project 30x 0.05996; 1000 Genomes Project 0.06030.
gnomAD v4.1: 17,462 of 676,096 alleles (2.6%); highest among the groups gnomAD compares: African/African-American, 12%; 565 homozygotes.

Submissions (2):

Illumina Laboratory Services, Illumina
Classification: Benign for Inherited obesity. Last evaluated: 2018-01-13. Review status: criteria provided, single submitter. Criteria: ICSL Variant Classification Criteria 13 December 2019. Collection method: clinical testing. Allele origin: germline.
Comment: This variant was observed in the ICSL laboratory as part of a predisposition screen in an ostensibly healthy population. It had not been previously curated by ICSL or reported in the Human Gene Mutation Database (HGMD: prior to June 1st, 2018), and was therefore a candidate for classification through an automated scoring system. Utilizing variant allele frequency, disease prevalence and penetrance estimates, and inheritance mode, an automated score was calculated to assess if this variant is too frequent to cause the disease. Based on the score and internal cut-off values, a variant classified as benign is not then subjected to further curation. The score for this variant resulted in a classification of benign for this disease.

Breakthrough Genomics
Classification: Benign. Review status: criteria provided, single submitter. Criteria: ACMG Guidelines, 2015. Collection method: not provided. Allele origin: germline. Inheritance: Autosomal dominant inheritance. Affected: yes.

NM_005912.3(MC4R):c.-178A>C

Gene: MC4R (melanocortin 4 receptor; minus strand). Cytogenetic location: 18q21.32.
Variant type: single nucleotide variant.
Coding change: c.-178A>C on transcript NM_005912.3 (MANE Select); 178 bases upstream of the start codon, A replaced by C.
Molecular consequence: 5 prime UTR variant.
Genome position (GRCh38, 1-based): chr18:60,372,527, T>G on the plus strand (A>C on the coding strand, the complement: MC4R is on the minus strand). VCF-style: chr18-60372527-T-G. GRCh37 (hg19) VCF-style: chr18-58039760-T-G.
Identifiers: ClinVar variation 327719 (VCV000327719.6), dbSNP rs34114122, ClinGen allele CA10652089.